The following is an entry in ClinVar:

NM_177438.3(DICER1):c.2893T>G (p.Tyr965Asp)

Gene: DICER1 (dicer 1, ribonuclease III; minus strand). Cytogenetic location: 14q32.13.
Variant type: single nucleotide variant.
Coding change: c.2893T>G on transcript NM_177438.3 (MANE Select); coding-DNA position 2893, T replaced by G.
Protein change: p.Tyr965Asp; replaces tyrosine 965 with aspartic acid.
Molecular consequence: missense variant. On other transcripts: non-coding transcript variant (6).
Genome position (GRCh38, 1-based): chr14:95,106,135, A>C on the plus strand (T>G on the coding strand, the complement: DICER1 is on the minus strand). VCF-style: chr14-95106135-A-C. GRCh37 (hg19) VCF-style: chr14-95572472-A-C.
Other names: c.2893T>G, p.Tyr965Asp (NM_001195573.1, NM_001271282.3, NM_001291628.2 and 13 more transcripts); c.2611T>G, p.Tyr871Asp (NM_001395686.1); c.2488T>G, p.Tyr830Asp (NM_001395687.1, NM_001395688.1, NM_001395689.1 and 2 more transcripts); c.2326T>G, p.Tyr776Asp (NM_001395691.1); c.1210T>G, p.Tyr404Asp (NM_001395697.1); short protein forms Y404D, Y830D, Y871D, Y965D, Y776D.
Identifiers: ClinVar variation 1797329 (VCV001797329.2), dbSNP rs2542788003, ClinGen allele CA390879014.
Genomic context (GRCh38, chr14:95,106,135, plus strand): 5'-GGTTGAGATTGGTTAGGTCAAGGTTGTACTTTGTTTTATAATATTCTGCAAAAGTTTCAT[A>C]CTCAGGGGAAGGAAATTTACTGAGTGGGGTAAGATCAGTGTACACATCAGCTACATAAAA-3'
Protein context (NP_803187.1, residues 955-975): TPLSKFPSPE[Tyr965Asp]ETFAEYYKTK

ClinVar aggregate classification (germline): Uncertain significance (1 of 4 stars; one submission).

Conditions:
Hereditary cancer-predisposing syndrome. Also called: Tumor predisposition; Hereditary Cancer Syndrome; Neoplastic Syndromes, Hereditary; Hereditary neoplastic syndrome. Identifiers: Orphanet 140162, MedGen C0027672, MeSH D009386, MONDO:0015356.

Submission:

Ambry Genetics
Classification: Uncertain significance for Hereditary cancer-predisposing syndrome. Last evaluated: 2022-04-05. Review status: criteria provided, single submitter. Criteria: Ambry Variant Classification Scheme 2023. Collection method: clinical testing. Allele origin: germline.
Comment: The p.Y965D variant (also known as c.2893T>G), located in coding exon 17 of the DICER1 gene, results from a T to G substitution at nucleotide position 2893. The tyrosine at codon 965 is replaced by aspartic acid, an amino acid with highly dissimilar properties. This amino acid position is conserved. In addition, the in silico prediction for this alteration is inconclusive. Since supporting evidence is limited at this time, the clinical significance of this alteration remains unclear.